The following continues an entry in ClinVar:

NM_000520.6(HEXA):c.508C>T (p.Arg170Trp)

Gene: HEXA. ClinVar aggregate classification (germline): Pathogenic/Likely pathogenic. Pathogenic (10); Likely pathogenic (2).

Submissions 11 to 14 of 14:

Women's Health and Genetics/Laboratory Corporation of America, LabCorp
Classification: Pathogenic for Tay-Sachs disease. Last evaluated: 2019-01-14. Review status: criteria provided, single submitter. Criteria: LabCorp Variant Classification Summary - May 2015. Collection method: clinical testing. Allele origin: germline.
Comment: Variant summary: HEXA c.508C>T (p.Arg170Trp) results in a non-conservative amino acid change located in the Glycoside hydrolase family 20, catalytic domain of the encoded protein sequence. Five of five in-silico tools predict a damaging effect of the variant on protein function. The variant allele was found at a frequency of 1.1e-05 in 276962 control chromosomes (gnomAD). c.508C>T has been reported in the literature in multiple individuals affected with Tay-Sachs Disease (Mistri_2012, Montalvo_2005, Tanaka_1999, Poenaru_1994, Akli_1993, Fernandes_1992). These data indicate that the variant is very likely to be associated with disease. Experimental evidence evaluating an impact of the variant on protein function demonstrated HexA enzyme activity of 1.03% (expressed as percentage of total Hex activity). A ClinVar submission from a clinical diagnostic laboratory (evaluation after 2014) cites the variant as likely pathogenic. Based on the evidence outlined above, the variant was classified as pathogenic.

Neuberg Centre For Genomic Medicine, NCGM
Classification: Pathogenic for Tay-Sachs disease. Review status: criteria provided, single submitter. Criteria: ACMG Guidelines, 2015. Collection method: clinical testing. Allele origin: germline. Inheritance: Autosomal recessive inheritance. Affected: yes.
Comment: The HEXA c.508C>T (p.Arg170Trp) has been reported as homozygous or in combination with other HEXA variants in individuals affected with Tay-Sachs disease (Montalvo AL et al., 2005). Experimental studies have shown that this missense change interferes with the structure of the HEXA protein and impairs enzyme activity (Cao Z et al). This variant is reported with the allele frequency (0.0011%) in the gnomad and novel in 1000 genome database. This variant has been reported to the ClinVar database as Pathogenic. The amino acid Arg at position 170 is changed to a Trp changing protein sequence and it might alter its composition and physico-chemical properties. The amino acid change p.Arg170Trp in HEXA is predicted as conserved by GERP++ and PhyloP across 100 vertebrates. For these reasons, this variant has been classified as Pathogenic.

Foundation for Research in Genetics and Endocrinology, FRIGE's Institute of Human Genetics
Classification: Pathogenic for Tay-Sachs disease. Last evaluated: 2010-09-07. Review status: no assertion criteria provided. Collection method: research. Allele origin: germline. Inheritance: Autosomal recessive inheritance. Affected: yes. Observed: 1 homozygote. Not counted in ClinVar's aggregate classification.

OMIM
Classification: Pathogenic for TAY-SACHS DISEASE. Last evaluated: 1997-05-01. Review status: no assertion criteria provided. Collection method: literature only. Allele origin: germline. Not counted in ClinVar's aggregate classification.

Literature cited by the submitters: PubMed 1302612 (cited by 6 submitters); PubMed 8490625 (cited by 5 submitters); PubMed 16088929 (cited by 6 submitters); PubMed 22723944 (cited by 7 submitters); PubMed 9169471 (cited by 3 submitters); PubMed 24518553 (cited by Labcorp Genetics (formerly Invitae), Labcorp); PubMed 33751187 (cited by 3 submitters); PubMed 34554397 (cited by Natera, Inc. and Ambry Genetics); PubMed 7858168 (cited by Ambry Genetics and Women's Health and Genetics/Laboratory Corporation of America, LabCorp); PubMed 8995368 (cited by Ambry Genetics); PubMed 10083731 (cited by 4 submitters); PubMed 17259242 (cited by Ambry Genetics and Mayo Clinic Laboratories, Mayo Clinic); PubMed 29352662 (cited by Ambry Genetics); PubMed 39039281 (cited by Ambry Genetics); PubMed 39609393 (cited by Ambry Genetics); PubMed 24940364 (cited by Myriad Genetics, Inc.); PubMed 14577003 (cited by Myriad Genetics, Inc.); PubMed 9272736 (cited by OMIM).